The following is an entry in ClinVar:

NM_015192.4(PLCB1):c.1366A>G (p.Met456Val)

Gene: PLCB1 (phospholipase C beta 1; plus strand). Cytogenetic location: 20p12.3.
Variant type: single nucleotide variant.
Coding change: c.1366A>G on transcript NM_015192.4 (MANE Select); coding-DNA position 1366, A replaced by G.
Protein change: p.Met456Val; replaces methionine 456 with valine.
Molecular consequence: missense variant.
Genome position (GRCh38, 1-based): chr20:8,717,701, A>G. VCF-style: chr20-8717701-A-G. GRCh37 (hg19) VCF-style: chr20-8698348-A-G.
Other names: c.1366A>G, p.Met456Val (NM_182734.3); short protein forms M456V.
Identifiers: ClinVar variation 1022678 (VCV001022678.14), dbSNP rs777452326, ClinGen allele CA9759940.

ClinVar aggregate classification (germline): Uncertain significance. Review status: criteria provided, multiple submitters, no conflicts (2 of 4 stars). 3 submissions from 3 submitters: Uncertain significance (3). Last evaluated 2025-06-28.

Conditions:
Inborn genetic diseases. Identifiers: MedGen C0950123, MeSH D030342.
Developmental and epileptic encephalopathy, 12 (DEE12). Identifiers: MedGen C3150988, MONDO:0013389, OMIM 613722.

Allele frequency attached by ClinVar (database versions not stated): gnomAD 0.00001; gnomAD exomes 0.00001 and 0.00002; ExAC 0.00002; TOPMed 0.00003.
gnomAD v4.1: 16 of 1,612,410 alleles (0.00099%); highest among the groups gnomAD compares: Admixed American, 0.005%; no homozygotes.

Submissions (3):

GeneDx
Classification: Uncertain significance. Last evaluated: 2025-06-28. Review status: criteria provided, single submitter. Criteria: GeneDx Variant Classification Process June 2021. Collection method: clinical testing. Allele origin: germline. Affected: yes.
Comment: Not observed at significant frequency in large population cohorts (gnomAD); In silico analysis suggests that this missense variant does not alter protein structure/function; Has not been previously published as pathogenic or benign to our knowledge

Labcorp Genetics (formerly Invitae), Labcorp
Classification: Uncertain significance for Developmental and epileptic encephalopathy, 12. Last evaluated: 2024-03-07. Review status: criteria provided, single submitter. Criteria: Invitae Variant Classification Sherloc (09022015). Collection method: clinical testing. Allele origin: germline.
Comment: This sequence change replaces methionine, which is neutral and non-polar, with valine, which is neutral and non-polar, at codon 456 of the PLCB1 protein (p.Met456Val). This variant is present in population databases (rs777452326, gnomAD 0.006%). This variant has not been reported in the literature in individuals affected with PLCB1-related conditions. ClinVar contains an entry for this variant (Variation ID: 1022678). Advanced modeling of protein sequence and biophysical properties (such as structural, functional, and spatial information, amino acid conservation, physicochemical variation, residue mobility, and thermodynamic stability) performed at Invitae indicates that this missense variant is not expected to disrupt PLCB1 protein function with a negative predictive value of 80%. In summary, the available evidence is currently insufficient to determine the role of this variant in disease. Therefore, it has been classified as a Variant of Uncertain Significance.

Ambry Genetics
Classification: Uncertain significance for Inborn genetic diseases. Last evaluated: 2018-07-12. Review status: criteria provided, single submitter. Criteria: Ambry Variant Classification Scheme 2023. Collection method: clinical testing. Allele origin: germline.
Comment: The p.M456V variant (also known as c.1366A>G), located in coding exon 14 of the PLCB1 gene, results from an A to G substitution at nucleotide position 1366. The methionine at codon 456 is replaced by valine, an amino acid with highly similar properties. This amino acid position is well conserved in available vertebrate species. In addition, this alteration is predicted to be tolerated by in silico analysis. Since supporting evidence is limited at this time, the clinical significance of this alteration remains unclear.